The following is an entry in ClinVar:

NM_001035.3(RYR2):c.10669G>C (p.Val3557Leu)

Gene: RYR2 (ryanodine receptor 2; plus strand). Cytogenetic location: 1q43.
Variant type: single nucleotide variant.
Coding change: c.10669G>C on transcript NM_001035.3 (MANE Select); coding-DNA position 10669, G replaced by C.
Protein change: p.Val3557Leu; replaces valine 3557 with leucine.
Molecular consequence: missense variant.
Genome position (GRCh38, 1-based): chr1:237,723,242, G>C. VCF-style: chr1-237723242-G-C. GRCh37 (hg19) VCF-style: chr1-237886542-G-C.
Other names: short protein forms V3557L.
Identifiers: ClinVar variation 1064025 (VCV001064025.10), dbSNP rs2149125892, ClinGen allele CA345416216.

ClinVar aggregate classification (germline): Uncertain significance (1 of 4 stars; one submission).

Conditions:
Catecholaminergic polymorphic ventricular tachycardia 1. Also called: VENTRICULAR TACHYCARDIA, CATECHOLAMINERGIC POLYMORPHIC, 1, WITH OR WITHOUT ATRIAL DYSFUNCTION AND/OR DILATED CARDIOMYOPATHY; RYR2-Related Catecholaminergic Polymorphic Ventricular Tachycardia; VENTRICULAR TACHYCARDIA, STRESS-INDUCED POLYMORPHIC 1. Identifiers: Orphanet 3286, MedGen C1631597, MONDO:0011484, OMIM 604772.

Submission:

Labcorp Genetics (formerly Invitae), Labcorp
Classification: Uncertain significance for Catecholaminergic polymorphic ventricular tachycardia 1. Last evaluated: 2020-06-10. Review status: criteria provided, single submitter. Criteria: Invitae Variant Classification Sherloc (09022015). Collection method: clinical testing. Allele origin: germline.
Comment: In summary, the available evidence is currently insufficient to determine the role of this variant in disease. Therefore, it has been classified as a Variant of Uncertain Significance. Algorithms developed to predict the effect of missense changes on protein structure and function are either unavailable or do not agree on the potential impact of this missense change (SIFT: "Deleterious"; PolyPhen-2: "Benign"; Align-GVGD: "Class C25"). This sequence change replaces valine with leucine at codon 3557 of the RYR2 protein (p.Val3557Leu). The valine residue is highly conserved and there is a small physicochemical difference between valine and leucine. This variant is not present in population databases (ExAC no frequency). This variant has been observed in an individual with sudden cardiac arrest (Invitae).